The following is an entry in ClinVar:

ClinVar aggregate classification (germline): Conflicting classifications of pathogenicity. Review status: criteria provided, conflicting classifications (1 of 4 stars). 4 submissions from 4 submitters: Uncertain significance (3); Likely benign (1). Last evaluated 2025-08-28.

Conditions:
Hereditary breast ovarian cancer syndrome. Also called: Hereditary breast and/or ovarian cancer syndrome; BRCA1- and BRCA2-Associated Hereditary Breast and Ovarian Cancer; Hereditary breast and ovarian cancer syndrome; Hereditary breast and ovarian cancer; Hereditary breast and ovarian cancer syndrome (HBOC); Breast and ovarian cancer. Identifiers: Orphanet 145, MedGen C0677776, MeSH D061325, MONDO:0003582. Disease mechanism: loss of function.
Hereditary cancer-predisposing syndrome. Also called: Neoplastic Syndromes, Hereditary; Tumor predisposition; Hereditary Cancer Syndrome; Hereditary neoplastic syndrome. Identifiers: Orphanet 140162, MedGen C0027672, MeSH D009386, MONDO:0015356.

Submissions (4):

Ambry Genetics
Classification: Uncertain significance for Hereditary cancer-predisposing syndrome. Last evaluated: 2025-08-28. Review status: criteria provided, single submitter. Criteria: Ambry Variant Classification Scheme 2023. Collection method: clinical testing. Allele origin: germline.
Comment: The p.L700Q variant (also known as c.2099T>A), located in coding exon 9 of the BRCA1 gene, results from a T to A substitution at nucleotide position 2099. The leucine at codon 700 is replaced by glutamine, an amino acid with dissimilar properties. This amino acid position is poorly conserved in available vertebrate species. In addition, the in silico prediction for this alteration is inconclusive. Based on the available evidence, the clinical significance of this variant remains unclear.

University of Washington Department of Laboratory Medicine, University of Washington
Classification: Likely benign for Hereditary cancer-predisposing syndrome. Last evaluated: 2023-03-23. Review status: criteria provided, single submitter. Criteria: Dines et al. (Genet Med. 2020). Collection method: curation. Allele origin: germline.
Comment: Missense variant in a coldspot region where missense variants are very unlikely to be pathogenic (PMID:31911673).

BRCA1 coldspot (exon 11 using historical exon numbering). Reclassification based on statistical prior probability

Labcorp Genetics (formerly Invitae), Labcorp
Classification: Uncertain significance for Hereditary breast ovarian cancer syndrome. Last evaluated: 2022-06-16. Review status: criteria provided, single submitter. Criteria: Invitae Variant Classification Sherloc (09022015). Collection method: clinical testing. Allele origin: germline.
Comment: In summary, the available evidence is currently insufficient to determine the role of this variant in disease. Therefore, it has been classified as a Variant of Uncertain Significance. Advanced modeling of protein sequence and biophysical properties (such as structural, functional, and spatial information, amino acid conservation, physicochemical variation, residue mobility, and thermodynamic stability) performed at Invitae indicates that this missense variant is not expected to disrupt BRCA1 protein function. ClinVar contains an entry for this variant (Variation ID: 820712). This variant has not been reported in the literature in individuals affected with BRCA1-related conditions. This variant is not present in population databases (gnomAD no frequency). This sequence change replaces leucine, which is neutral and non-polar, with glutamine, which is neutral and polar, at codon 700 of the BRCA1 protein (p.Leu700Gln).

Color Diagnostics, LLC DBA Color Health
Classification: Uncertain significance for Hereditary cancer-predisposing syndrome. Last evaluated: 2022-03-18. Review status: criteria provided, single submitter. Criteria: ACMG Guidelines, 2015. Collection method: clinical testing. Allele origin: germline.
Comment: This missense variant replaces leucine with glutamine at codon 700 of the BRCA1 protein. Computational prediction suggests that this variant may not impact protein structure and function (internally defined REVEL score threshold <= 0.5, PMID: 27666373). To our knowledge, functional studies have not been reported for this variant. This variant has not been reported in individuals affected with hereditary cancer in the literature. This variant has not been identified in the general population by the Genome Aggregation Database (gnomAD). The available evidence is insufficient to determine the role of this variant in disease conclusively. Therefore, this variant is classified as a Variant of Uncertain Significance.

NM_007294.4(BRCA1):c.2099T>A (p.Leu700Gln)

Gene: BRCA1 (BRCA1 DNA repair associated; minus strand). Cytogenetic location: 17q21.31.
Variant type: single nucleotide variant.
Coding change: c.2099T>A on transcript NM_007294.4 (MANE Select); coding-DNA position 2099, T replaced by A.
Protein change: p.Leu700Gln; replaces leucine 700 with glutamine.
Molecular consequence: missense variant. On other transcripts: intron variant (137).
Genome position (GRCh38, 1-based): chr17:43,093,432, A>T on the plus strand (T>A on the coding strand, the complement: BRCA1 is on the minus strand). VCF-style: chr17-43093432-A-T. GRCh37 (hg19) VCF-style: chr17-41245449-A-T.
Other names: c.2099T>A, p.Leu700Gln (NM_001407605.1, NM_001407581.1, NM_001407582.1 and 30 more transcripts); c.1976T>A, p.Leu659Gln (NM_001407939.1, NM_001407648.1, NM_001407664.1 and 19 more transcripts); c.451+1312T>A (NM_001408508.1, NM_001408509.1); c.574+1312T>A (NM_001408491.1, NM_001408493.1, NM_001408490.1); c.1973T>A, p.Leu658Gln (NM_001407940.1, NM_001407941.1, NM_001407649.1 and 11 more transcripts); c.2096T>A, p.Leu699Gln (NM_001407610.1, NM_001407612.1, NM_001407613.1 and 22 more transcripts); c.461-2400T>A (NM_001408506.1, NM_001408507.1); c.1766T>A, p.Leu589Gln (NM_001407946.1, NM_001407947.1, NM_001407948.1 and 6 more transcripts); and 41 more; short protein forms L653Q, L700Q, L404Q, L589Q, L630Q, L652Q, L658Q, L674Q.
Identifiers: ClinVar variation 820712 (VCV000820712.16), dbSNP rs1567797015, ClinGen allele CA10597805.